The following is an entry in ClinVar:

ClinVar aggregate classification (germline): Uncertain significance (1 of 4 stars; one submission).

gnomAD v4.1: 2 of 1,613,830 alleles (0.00012%); highest among the groups gnomAD compares: Non-Finnish European, 0.000085%; no homozygotes.

Submission:

Biesecker Lab/Clinical Genomics Section, National Institutes of Health
Classification: Uncertain significance. Last evaluated: 2013-06-24. Review status: criteria provided, single submitter. Criteria: Ng et al. (Circ Cardiovasc Genet. 2013). Collection method: research. Allele origin: unknown. Observed: 1 variant allele. Study: ClinSeq.
Comment: The study set was not selected for affection status in relation to any cancer. Pathogenicity categories were based on literature curation. See Pubmed ID:23861362 for details.

Medical sequencing

NM_001267550.2(TTN):c.24713A>T (p.Tyr8238Phe)

Gene: TTN (titin; minus strand). Cytogenetic location: 2q31.2.
Variant type: single nucleotide variant.
Coding change: c.24713A>T on transcript NM_001267550.2 (MANE Select); coding-DNA position 24713, A replaced by T.
Protein change: p.Tyr8238Phe; replaces tyrosine 8238 with phenylalanine.
Molecular consequence: missense variant. On other transcripts: intron variant (3).
Genome position (GRCh38, 1-based): chr2:178,718,393, T>A on the plus strand (A>T on the coding strand, the complement: TTN is on the minus strand). VCF-style: chr2-178718393-T-A. GRCh37 (hg19) VCF-style: chr2-179583120-T-A.
Other names: c.23762A>T, p.Tyr7921Phe (NM_001256850.1); c.20981A>T, p.Tyr6994Phe (NM_133378.4); c.13282+19689A>T (NM_003319.4); c.13858+19689A>T (NM_133437.4); c.13657+19689A>T (NM_133432.3); short protein forms Y6994F, Y8238F, Y7921F.
Identifiers: ClinVar variation 192009 (VCV000192009.1), dbSNP rs202193812, ClinGen allele CA238090.